The following is an entry in ClinVar:

ClinVar aggregate classification (germline): Uncertain significance (1 of 4 stars; one submission).

Conditions:
LEPR-related disorder. Also called: LEPR-related disorders; LEPR-related condition.

gnomAD v4.1: 4 of 1,598,632 alleles (0.00025%); highest among the groups gnomAD compares: Admixed American, 0.0051%; no homozygotes.

Submission:

PreventionGenetics, part of Exact Sciences
Classification: Uncertain significance for LEPR-related condition. Last evaluated: 2024-12-02. Review status: criteria provided, single submitter. Criteria: ACMG Guidelines, 2015. Collection method: clinical testing. Allele origin: germline.
Comment: The LEPR c.308C>T variant is predicted to result in the amino acid substitution p.Ala103Val. To our knowledge, this variant has not been reported in the literature. This variant is reported in 0.0088% of alleles in individuals of Latino descent in gnomAD. This variant was observed in a cohort of individuals with obesity, and in vitro functional studies showed inconclusive evidence of loss of function (Supplemental Data Set, Shah et al. 2023. PubMed ID: 36864747). At this time, the clinical significance of this variant is uncertain due to the absence of conclusive functional and genetic evidence.

NM_002303.6(LEPR):c.308C>T (p.Ala103Val)

Gene: LEPR (leptin receptor; plus strand). Cytogenetic location: 1p31.3.
Variant type: single nucleotide variant.
Coding change: c.308C>T on transcript NM_002303.6 (MANE Select); coding-DNA position 308, C replaced by T.
Protein change: p.Ala103Val; replaces alanine 103 with valine.
Molecular consequence: missense variant.
Genome position (GRCh38, 1-based): chr1:65,570,740, C>T. VCF-style: chr1-65570740-C-T. GRCh37 (hg19) VCF-style: chr1-66036423-C-T.
Other names: c.308C>T, p.Ala103Val (NM_001003679.3, NM_001003680.3, NM_001198687.2 and 2 more transcripts); short protein forms A103V.
Identifiers: ClinVar variation 4984456 (VCV004984456.1).